The following is an entry in ClinVar:

ClinVar aggregate classification (germline): Benign. Review status: reviewed by expert panel (3 of 4 stars). 30 submissions from 30 submitters: Benign (1). 29 of the submissions do not count toward it. Last evaluated 2015-01-12.

Conditions:
Breast and/or ovarian cancer. Identifiers: MedGen CN221562.
Hereditary cancer-predisposing syndrome. Also called: Tumor predisposition; Neoplastic Syndromes, Hereditary; Hereditary Cancer Syndrome; Hereditary neoplastic syndrome. Identifiers: Orphanet 140162, MedGen C0027672, MeSH D009386, MONDO:0015356.
Hereditary breast ovarian cancer syndrome. Also called: Hereditary breast and ovarian cancer syndrome (HBOC); Hereditary breast and ovarian cancer syndrome; Hereditary breast and ovarian cancer; Hereditary breast and/or ovarian cancer syndrome; Breast and ovarian cancer; BRCA1- and BRCA2-Associated Hereditary Breast and Ovarian Cancer. Identifiers: Orphanet 145, MedGen C0677776, MeSH D061325, MONDO:0003582. Disease mechanism: loss of function.
Breast-ovarian cancer, familial, susceptibility to, 1 (BROVCA1). Also called: OVARIAN CANCER, SUSCEPTIBILITY TO; BRCA1 Hereditary Breast and Ovarian Cancer. Identifiers: Orphanet 145, MedGen C2676676, MONDO:0011450, OMIM 604370. Disease mechanism: loss of function.
Familial cancer of breast. Also called: Hereditary breast cancer; hereditary breast carcinoma; BREAST CANCER, FAMILIAL. Identifiers: Orphanet 227535, MedGen C0346153, MONDO:0016419, OMIM 114480. Disease mechanism: loss of function.
Malignant tumor of breast. Also called: Malignant breast neoplasm; Cancer breast. Identifiers: MedGen C0006142, MONDO:0007254. Disease mechanism: loss of function.

Allele frequency attached by ClinVar (database versions not stated): gnomAD exomes 0.00061 and 0.00168; ExAC 0.00217; 1000 Genomes Project 0.00639; gnomAD 0.00657 and 0.00707; 1000 Genomes Project 30x 0.00703; TOPMed 0.00721; ESP Exome Variant Server 0.00869.
gnomAD v4.1: 1,927 of 1,614,028 alleles (0.12%); highest among the groups gnomAD compares: African/African-American, 2.3%; 19 homozygotes.

Submissions 1 to 20 of 30:

Evidence-based Network for the Interpretation of Germline Mutant Alleles (ENIGMA)
Classification: Benign for Breast-ovarian cancer, familial 1. Last evaluated: 2015-01-12. Review status: reviewed by expert panel. Criteria: ENIGMA BRCA1/2 Classification Criteria (2015). Collection method: curation. Allele origin: germline.
Comment: Class 1 not pathogenic based on frequency >1% in an outbred sampleset. Frequency 0.01829 (African), derived from 1000 genomes (2012-04-30).

Labcorp Genetics (formerly Invitae), Labcorp
Classification: Benign for Hereditary breast ovarian cancer syndrome. Last evaluated: 2026-02-03. Review status: criteria provided, single submitter. Criteria: Invitae Variant Classification Sherloc (09022015). Collection method: clinical testing. Allele origin: germline. Not counted in ClinVar's aggregate classification.

ARUP Laboratories, Molecular Genetics and Genomics, ARUP Laboratories
Classification: Benign. Last evaluated: 2025-07-21. Review status: criteria provided, single submitter. Criteria: ARUP Molecular Germline Variant Investigation Process 2024. Collection method: clinical testing. Allele origin: germline. Not counted in ClinVar's aggregate classification.

Center for Genomic Medicine, Rigshospitalet, Copenhagen University Hospital
Classification: Benign. Last evaluated: 2025-03-04. Review status: criteria provided, single submitter. Criteria: ACMG Guidelines, 2015. Collection method: clinical testing. Allele origin: germline. Not counted in ClinVar's aggregate classification.

Blueprint Genetics
Classification: Likely benign. Last evaluated: 2024-10-18. Review status: criteria provided, single submitter. Criteria: ACMG Guidelines, 2015. Collection method: clinical testing. Allele origin: germline. Not counted in ClinVar's aggregate classification.

KCCC/NGS Laboratory, Kuwait Cancer Control Center
Classification: Benign for Breast-ovarian cancer, familial, susceptibility to, 1. Last evaluated: 2023-07-07. Review status: criteria provided, single submitter. Criteria: ACMG Guidelines, 2015. Collection method: clinical testing. Allele origin: germline. Affected: yes. Not counted in ClinVar's aggregate classification.

National Health Laboratory Service, Universitas Academic Hospital and University of the Free State
Classification: Benign for Hereditary breast ovarian cancer syndrome. Last evaluated: 2022-04-19. Review status: criteria provided, single submitter. Criteria: ACMG Guidelines, 2015. Collection method: clinical testing. Allele origin: germline. Affected: yes. Observed: 88 variant alleles. Not counted in ClinVar's aggregate classification.

Genetics Program, Instituto Nacional de Cancer
Classification: Benign for Hereditary breast ovarian cancer syndrome. Last evaluated: 2021-11-01. Review status: criteria provided, single submitter. Criteria: ACMG Guidelines, 2015. Collection method: research. Allele origin: germline. Affected: yes. Not counted in ClinVar's aggregate classification.

Genetic Services Laboratory, University of Chicago
Classification: Benign. Last evaluated: 2021-05-24. Review status: criteria provided, single submitter. Criteria: ACMG Guidelines, 2015. Collection method: clinical testing. Allele origin: germline. Affected: no. Not counted in ClinVar's aggregate classification.

Illumina Laboratory Services, Illumina
Classification: Benign for Breast-ovarian cancer, familial, susceptibility to, 1. Last evaluated: 2018-01-13. Review status: criteria provided, single submitter. Criteria: ICSL Variant Classification Criteria 13 December 2019. Collection method: clinical testing. Allele origin: germline. Not counted in ClinVar's aggregate classification.
Comment: This variant was observed in the ICSL laboratory as part of a predisposition screen in an ostensibly healthy population. It had not been previously curated by ICSL or reported in the Human Gene Mutation Database (HGMD: prior to June 1st, 2018), and was therefore a candidate for classification through an automated scoring system. Utilizing variant allele frequency, disease prevalence and penetrance estimates, and inheritance mode, an automated score was calculated to assess if this variant is too frequent to cause the disease. Based on the score and internal cut-off values, a variant classified as benign is not then subjected to further curation. The score for this variant resulted in a classification of benign for this disease.

Baylor Genetics
Classification: Benign for Familial cancer of breast. Last evaluated: 2017-02-23. Review status: criteria provided, single submitter. Criteria: ACMG Guidelines, 2015. Collection method: clinical testing. Allele origin: germline. Inheritance: Autosomal dominant inheritance. Affected: no. Not counted in ClinVar's aggregate classification.

PreventionGenetics, part of Exact Sciences
Classification: Benign. Last evaluated: 2017-01-30. Review status: criteria provided, single submitter. Criteria: ACMG Guidelines, 2015. Collection method: clinical testing. Allele origin: germline. Not counted in ClinVar's aggregate classification.

CHEO Genetics Diagnostic Laboratory, Children's Hospital of Eastern Ontario
Classification: Benign for Breast and/or ovarian cancer. Last evaluated: 2016-03-08. Review status: criteria provided, single submitter. Criteria: ACMG Guidelines, 2015. Collection method: clinical testing. Allele origin: germline. Study: Canadian Open Genetics Repository. Not counted in ClinVar's aggregate classification.

Ambry Genetics
Classification: Benign for Hereditary cancer-predisposing syndrome. Last evaluated: 2015-11-06. Review status: criteria provided, single submitter. Criteria: Ambry Variant Classification Scheme 2023. Collection method: clinical testing. Allele origin: germline. Not counted in ClinVar's aggregate classification.

Clinical Genetics DNA and cytogenetics Diagnostics Lab, Erasmus MC, Erasmus Medical Center
Classification: Benign for Breast-ovarian cancer, familial, susceptibility to, 1. Last evaluated: 2015-09-21. Review status: criteria provided, single submitter. Criteria: ACGS Guidelines, 2013. Collection method: clinical testing. Allele origin: germline. Affected: yes. Study: VKGL Data-share Consensus. Not counted in ClinVar's aggregate classification.

Eurofins Ntd Llc (ga)
Classification: Benign. Last evaluated: 2015-09-14. Review status: criteria provided, single submitter. Criteria: EGL Classification Definitions 2015. Collection method: clinical testing. Allele origin: germline. Observed: 3 variant alleles, 3 heterozygotes. Not counted in ClinVar's aggregate classification.

Fulgent Genetics
Classification: Likely benign for Breast-ovarian cancer, familial, susceptibility to, 1. Last evaluated: 2015-08-07. Review status: criteria provided, single submitter. Criteria: ACMG Guidelines, 2015. Collection method: clinical testing. Allele origin: unknown. Inheritance: Autosomal dominant inheritance. Not counted in ClinVar's aggregate classification.

Color Diagnostics, LLC DBA Color Health
Classification: Benign for Hereditary cancer-predisposing syndrome. Last evaluated: 2015-04-21. Review status: criteria provided, single submitter. Criteria: ACMG Guidelines, 2015. Collection method: clinical testing. Allele origin: germline. Not counted in ClinVar's aggregate classification.

Molecular Genetics Laboratory, University of Michigan
Classification: Benign for Breast-ovarian cancer, familial, susceptibility to, 1. Last evaluated: 2014-11-03. Review status: criteria provided, single submitter. Criteria: ACMG Guidelines, 2015. Collection method: clinical testing. Allele origin: germline. Affected: yes. Not counted in ClinVar's aggregate classification.

Genome Diagnostics Laboratory, University Medical Center Utrecht
Classification: Likely benign for Breast-ovarian cancer, familial, susceptibility to, 1. Last evaluated: 2014-10-10. Review status: criteria provided, single submitter. Criteria: ACGS Guidelines, 2013. Collection method: clinical testing. Allele origin: germline. Affected: yes. Study: VKGL Data-share Consensus. Not counted in ClinVar's aggregate classification.

NM_007294.4(BRCA1):c.1971A>G (p.Gln657=)

Gene: BRCA1 (BRCA1 DNA repair associated; minus strand). Cytogenetic location: 17q21.31.
Variant type: single nucleotide variant.
Coding change: c.1971A>G on transcript NM_007294.4 (MANE Select); coding-DNA position 1971, A replaced by G.
Protein change: p.Gln657=; no amino-acid change (glutamine 657 retained).
Molecular consequence: synonymous variant. On other transcripts: intron variant (137).
Genome position (GRCh38, 1-based): chr17:43,093,560, T>C on the plus strand (A>G on the coding strand, the complement: BRCA1 is on the minus strand). VCF-style: chr17-43093560-T-C. GRCh37 (hg19) VCF-style: chr17-41245577-T-C.
Other names: 2090A/G; p.Q657Q:CAA>CAG; 2090 A>G; NP_009225.1:p.Gln657=; c.1707A>G, p.Gln569= (NM_001407928.1, NM_001407929.1, NM_001407933.1 and 9 more transcripts); c.1704A>G, p.Gln568= (NM_001407930.1, NM_001407931.1, NM_001407932.1 and 2 more transcripts); c.1848A>G, p.Gln616= (NM_001407937.1, NM_001407938.1, NM_001407939.1 and 19 more transcripts); c.1845A>G, p.Gln615= (NM_001407940.1, NM_001407941.1, NM_001407649.1 and 11 more transcripts); and 44 more.
Identifiers: ClinVar variation 54424 (VCV000054424.93), dbSNP rs28897679, ClinGen allele CA001315.
Genomic context (GRCh38, chr17:43,093,560, plus strand): 5'-TCCAGTTGCAGGTTCTTTACCTTCCATGAGTTGTAGGTTTCTGCTGTGCCTGACTGGCAT[T>C]TGGTTGTACTTTTTTTTCTTTATCTCTTCACTGCTAGAACAACTATCAATTTGCAATTCA-3'
Protein context (NP_009225.1, residues 647-667): SEEIKKKKYN[Gln657=]MPVRHSRNLQ